The following is an entry in ClinVar:

NM_030943.4(AMN):c.1006+34_1007-31del

Genes: AMN (amnion associated transmembrane protein; plus strand), LOC130056554 (ATAC-STARR-seq lymphoblastoid silent region 6136; plus strand). Cytogenetic location: 14q32.32.
Variant type: Deletion.
Coding change: c.1006+34_1007-31del on transcript NM_030943.4 (MANE Select); 34 bases into the intron after coding-DNA position 1006 through 31 bases into the intron before coding-DNA position 1007, 15 bases deleted (CCTCGCCCCGCCGCG).
Molecular consequence: intron variant.
Genome position (GRCh38, 1-based): chr14:102,930,120-102,930,134, CCTCGCCCCGCCGCG deleted; deleting any 15 consecutive bases within chr14:102,930,108-102,930,134 gives the same sequence; the c. name uses the placement nearest the transcript's 3' end. VCF-style (leftmost placement, unchanged base first): chr14-102930107-CCGCCCCGCCGCGCCT-C. GRCh37 (hg19) VCF-style: chr14-103396444-CCGCCCCGCCGCGCCT-C.
Identifiers: ClinVar variation 56742 (VCV000056742.10), dbSNP rs386834161, ClinGen allele CA144400.

ClinVar aggregate classification (germline): Pathogenic/Likely pathogenic. Review status: criteria provided, multiple submitters, no conflicts (2 of 4 stars). 4 submissions from 4 submitters: Pathogenic (2); Likely pathogenic (1). 1 of the submissions does not count toward it. Last evaluated 2025-10-01.

Conditions:
AMN-related disorder. Also called: AMN-related condition.
Imerslund-Grasbeck syndrome. Also called: Megaloblastic anemia due to inborn errors of metabolism; ENTEROCYTE COBALAMIN MALABSORPTION; ENTEROCYTE INTRINSIC FACTOR RECEPTOR, DEFECT OF; PERNICIOUS ANEMIA, JUVENILE, DUE TO SELECTIVE INTESTINAL MALABSORPTION OF VITAMIN B12, WITH PROTEINURIA; Imerslund-Gräsbeck syndrome. Identifiers: Orphanet 35858, MedGen C4551825, MONDO:0009853.
Imerslund-Grasbeck syndrome type 2. Also called: MEGALOBLASTIC ANEMIA, NORWEGIAN TYPE; Imerslund-Gräsbeck syndrome 2; Megaloblastic anemia 1, Norwegian type. Identifiers: MedGen C4016948, MONDO:0100157, OMIM 618882.

Submissions (4):

Labcorp Genetics (formerly Invitae), Labcorp
Classification: Pathogenic for Imerslund-Grasbeck syndrome. Last evaluated: 2025-10-01. Review status: criteria provided, single submitter. Criteria: Invitae Variant Classification Sherloc (09022015). Collection method: clinical testing. Allele origin: germline.
Comment: This sequence change falls in intron 9 of the AMN gene. It does not directly change the encoded amino acid sequence of the AMN protein. RNA analysis indicates that this variant induces altered splicing and may result in an absent or altered protein product. This variant is present in population databases (rs386834161, gnomAD 0.02%). This variant has been observed in individuals with Imerslund-Gräsbeck syndrome (PMID: 22929189, 30691194). This variant is also known as c.1006+34_48del15bp. ClinVar contains an entry for this variant (Variation ID: 56742). Studies have shown that this variant results in skipping of exon 9, and produces a non-functional protein and/or introduces a premature termination codon (PMID: 22929189). For these reasons, this variant has been classified as Pathogenic.

First Genomix Gene Laboratory, Genetic Diagnostics Department
Classification: Pathogenic for Imerslund-Grasbeck syndrome type 2. Last evaluated: 2025-09-15. Review status: criteria provided, single submitter. Criteria: ACMG Guidelines, 2015. Collection method: clinical testing. Allele origin: germline. Inheritance: Autosomal recessive inheritance. Affected: no. Observed: 1 variant allele.

Blueprint Genetics
Classification: Likely pathogenic for AMN-related disorders. Last evaluated: 2023-11-30. Review status: criteria provided, single submitter. Criteria: ACMG Guidelines, 2015. Collection method: clinical testing. Allele origin: germline. Affected: yes. Observed: 4 variant alleles.

Juha Muilu Group; Institute for Molecular Medicine Finland (FIMM)
Classification: Likely pathogenic for Megaloblastic anemia due to inborn errors of metabolism. Review status: no assertion criteria provided. Collection method: not provided. Allele origin: unknown. Not counted in ClinVar's aggregate classification.
Comment: FinDis database variant: This variant was not found or characterized by our laboratory, data were collected from public sources: see reference
ClinVar note: Converted during submission from probable-pathogenic to Likely pathogenic.

Literature cited by the submitters: PubMed 22929189 (cited by Labcorp Genetics (formerly Invitae), Labcorp); PubMed 30691194 (cited by Labcorp Genetics (formerly Invitae), Labcorp).